The following is an entry in ClinVar:

NM_003079.5(SMARCE1):c.1027+47G>A

Gene: SMARCE1 (SWI/SNF related BAF chromatin remodeling complex subunit E1; minus strand). Cytogenetic location: 17q21.2.
Variant type: single nucleotide variant.
Coding change: c.1027+47G>A on transcript NM_003079.5 (MANE Select); 47 bases into the intron after coding-DNA position 1027, G replaced by A.
Molecular consequence: intron variant.
Genome position (GRCh38, 1-based): chr17:40,630,667, C>T on the plus strand (G>A on the coding strand, the complement: SMARCE1 is on the minus strand). VCF-style: chr17-40630667-C-T. GRCh37 (hg19) VCF-style: chr17-38786919-C-T.
Identifiers: ClinVar variation 4873614 (VCV004873614.2).

ClinVar aggregate classification (germline): Likely benign (1 of 4 stars; one submission).

gnomAD v4.1: 50 of 1,476,520 alleles (0.0034%); highest among the groups gnomAD compares: African/African-American, 0.047%; no homozygotes.

Submission:

CeGaT Center for Human Genetics Tuebingen
Classification: Likely benign. Last evaluated: 2026-04-01. Review status: criteria provided, single submitter. Criteria: CeGaT Center For Human Genetics Tuebingen Variant Classification Criteria Version 2. Collection method: clinical testing. Allele origin: germline. Affected: yes. Observed: 1 variant allele.
Comment: SMARCE1: BP4, BP7